The following is an entry in ClinVar:

NM_003126.4(SPTA1):c.1del (p.Met1fs)

Gene: SPTA1 (spectrin alpha, erythrocytic 1; minus strand). Cytogenetic location: 1q23.1.
Variant type: Deletion.
Coding change: c.1del on transcript NM_003126.4 (MANE Select); coding-DNA position 1, one base deleted (A; older notation c.1delA).
Protein change: p.Met1fs; shifts the reading frame from methionine 1.
Molecular consequence: frameshift variant, initiator codon variant.
Genome position (GRCh38, 1-based): chr1:158,686,517, T deleted on the plus strand (A on the coding strand, the reverse complement: SPTA1 is on the minus strand); the first of 5 consecutive T bases (chr1:158,686,517-158,686,521); deleting any one gives the same sequence. VCF-style (leftmost placement, unchanged base first): chr1-158686516-AT-A. GRCh37 (hg19) VCF-style: chr1-158656306-AT-A.
Other names: p.Met1?; short protein forms M1fs.
Identifiers: ClinVar variation 3380090 (VCV003380090.1).

ClinVar aggregate classification (germline): Uncertain significance (1 of 4 stars; one submission).

Submission:

Mayo Clinic Laboratories, Mayo Clinic
Classification: Uncertain significance. Last evaluated: 2024-01-26. Review status: criteria provided, single submitter. Criteria: ACMG Guidelines, 2015. Collection method: clinical testing. Allele origin: germline. Observed: 166 variant alleles.
Comment: PM2_moderate, PVS1_moderate